The following is an entry in ClinVar:

ClinVar aggregate classification (germline): Uncertain significance. Review status: criteria provided, multiple submitters, no conflicts (2 of 4 stars). 3 submissions from 3 submitters: Uncertain significance (3). Last evaluated 2024-03-06.

Conditions:
Familial thoracic aortic aneurysm and aortic dissection (TAAD). Also called: Thoracic aortic aneurysms and dissections. Identifiers: Orphanet 91387, MedGen C4707243, MONDO:0019625.
Loeys-Dietz syndrome 2 (LDS2). Also called: TGFBR2-Related Loeys-Dietz Syndrome; AORTIC ANEURYSM, FAMILIAL THORACIC 3; MARFAN SYNDROME, TYPE II; Marfan Syndrome type 2; Marfan like connective tissue disorder; MFS 2. Identifiers: Orphanet 284973, Orphanet 558, MedGen C2674574, MONDO:0012427, OMIM 610168.

Allele frequency attached by ClinVar (database versions not stated): gnomAD exomes below 0.00001 and 0.00001; ExAC 0.00001.
gnomAD v4.1: 3 of 1,614,222 alleles (0.00019%); highest among the groups gnomAD compares: East Asian, 0.0067%; 1 homozygote.

Submissions (3):

Color Diagnostics, LLC DBA Color Health
Classification: Uncertain significance for Familial thoracic aortic aneurysm and aortic dissection. Last evaluated: 2024-03-06. Review status: criteria provided, single submitter. Criteria: ACMG Guidelines, 2015. Collection method: clinical testing. Allele origin: germline.
Comment: This missense variant replaces phenylalanine with leucine at codon 503 of the TGFBR2 protein. Computational prediction suggests that this variant may not impact protein structure and function (internally defined REVEL score threshold <= 0.5, PMID: 27666373). Splice site prediction tools suggest that this variant may not impact RNA splicing. To our knowledge, functional studies have not been performed for this variant. This variant has not been reported in individuals affected with cardiovascular disorders in the literature. This variant has been identified in 1/251042 chromosomes in the general population by the Genome Aggregation Database (gnomAD). The available evidence is insufficient to determine the role of this variant in disease conclusively. Therefore, this variant is classified as a Variant of Uncertain Significance.

All of Us Research Program, National Institutes of Health
Classification: Uncertain significance for Loeys-Dietz syndrome 2. Last evaluated: 2023-10-30. Review status: criteria provided, single submitter. Criteria: ACMG Guidelines, 2015. Collection method: clinical testing. Allele origin: germline. Inheritance: Autosomal dominant inheritance. Observed: 1 variant allele, 1 heterozygote.
Comment: This missense variant replaces phenylalanine with leucine at codon 503 of the TGFBR2 protein. Computational prediction suggests that this variant may not impact protein structure and function (internally defined REVEL score threshold <= 0.5, PMID: 27666373). Splice site prediction tools suggest that this variant may not impact RNA splicing. To our knowledge, functional studies have not been performed for this variant. This variant has not been reported in individuals affected with cardiovascular disorders in the literature. This variant has been identified in 1/251042 chromosomes in the general population by the Genome Aggregation Database (gnomAD). The available evidence is insufficient to determine the role of this variant in disease conclusively. Therefore, this variant is classified as a Variant of Uncertain Significance.

This study involves interpretation of variants in research participants for the purpose of population health screening. Participant phenotype was not available at the time of variant classification. Additional details can be found in publication PMID: 35346344, PMCID: PMC8962531

Labcorp Genetics (formerly Invitae), Labcorp
Classification: Uncertain significance for Familial thoracic aortic aneurysm and aortic dissection. Last evaluated: 2022-07-12. Review status: criteria provided, single submitter. Criteria: Invitae Variant Classification Sherloc (09022015). Collection method: clinical testing. Allele origin: germline.
Comment: This variant has not been reported in the literature in individuals affected with TGFBR2-related conditions. This sequence change replaces phenylalanine, which is neutral and non-polar, with leucine, which is neutral and non-polar, at codon 503 of the TGFBR2 protein (p.Phe503Leu). This variant is present in population databases (rs772201128, gnomAD 0.006%). ClinVar contains an entry for this variant (Variation ID: 920192). Advanced modeling of protein sequence and biophysical properties (such as structural, functional, and spatial information, amino acid conservation, physicochemical variation, residue mobility, and thermodynamic stability) performed at Invitae indicates that this missense variant is not expected to disrupt TGFBR2 protein function. In summary, the available evidence is currently insufficient to determine the role of this variant in disease. Therefore, it has been classified as a Variant of Uncertain Significance.

NM_003242.6(TGFBR2):c.1507T>C (p.Phe503Leu)

Gene: TGFBR2 (transforming growth factor beta receptor 2; plus strand). Cytogenetic location: 3p24.1.
Variant type: single nucleotide variant.
Coding change: c.1507T>C on transcript NM_003242.6 (MANE Select); coding-DNA position 1507, T replaced by C.
Protein change: p.Phe503Leu; replaces phenylalanine 503 with leucine.
Molecular consequence: missense variant.
Genome position (GRCh38, 1-based): chr3:30,688,494, T>C. VCF-style: chr3-30688494-T-C. GRCh37 (hg19) VCF-style: chr3-30729986-T-C.
Other names: c.1582T>C, p.Phe528Leu (NM_001024847.3); c.1690T>C, p.Phe564Leu (NM_001407126.1); c.1222T>C, p.Phe408Leu (NM_001407137.1); c.1147T>C, p.Phe383Leu (NM_001407138.1); c.637T>C, p.Phe213Leu (NM_001407139.1); c.1402T>C, p.Phe468Leu (NM_001407134.1, NM_001407135.1, NM_001407136.1 and 2 more transcripts); c.1510T>C, p.Phe504Leu (NM_001407129.1); c.1504T>C, p.Phe502Leu (NM_001407130.1); and 2 more; short protein forms F503L, F528L, F502L, F539L, F213L, F504L, F512L, F383L.
Identifiers: ClinVar variation 920192 (VCV000920192.10), dbSNP rs772201128, ClinGen allele CA046740.